The following is an entry in ClinVar:

NM_017780.4(CHD7):c.4266_4267dup (p.Glu1423fs)

Gene: CHD7 (chromodomain helicase DNA binding protein 7; plus strand). Cytogenetic location: 8q12.2.
Variant type: Duplication.
Coding change: c.4266_4267dup on transcript NM_017780.4 (MANE Select); coding-DNA positions 4266 to 4267, 2 bases duplicated (GG; older notation c.4266_4267dupGG).
Protein change: p.Glu1423fs; shifts the reading frame from glutamic acid 1423.
Molecular consequence: frameshift variant. On other transcripts: intron variant (1).
Genome position (GRCh38, 1-based): chr8:60,837,748-60,837,749, GG duplicated; duplicating any 2 consecutive bases within chr8:60,837,747-60,837,749 gives the same sequence; the c. name uses the placement nearest the transcript's 3' end. VCF-style (leftmost placement, unchanged base first): chr8-60837746-A-AGG. GRCh37 (hg19) VCF-style: chr8-61750305-A-AGG.
Other names: c.1717-24481_1717-24480dup (NM_001316690.1); short protein forms E1423fs.
Identifiers: ClinVar variation 3601849 (VCV003601849.1).

ClinVar aggregate classification (germline): Pathogenic (1 of 4 stars; one submission).

Conditions:
CHARGE syndrome (CHARGE). Also called: Hittner Hirsch Kreh syndrome; CHARGE ASSOCIATION--COLOBOMA, HEART ANOMALY, CHOANAL ATRESIA, RETARDATION, GENITAL AND EAR ANOMALIES; Coloboma, heart anomaly, choanal atresia, retardation, genital and ear anomalies; CHARGE association; Hall-Hittner syndrome. Identifiers: Orphanet 138, MedGen C0265354, MONDO:0008965.

Submission:

Institute of Rare Diseases, West China Hospital, Sichuan University
Classification: Pathogenic for CHD7-related CHARGE syndrome. Last evaluated: 2025-01-09. Review status: criteria provided, single submitter. Criteria: ClinGen HL ACMG Specifications v1. Collection method: research. Allele origin: germline. Affected: yes.
Comment: PVS1;PS2;PM2_Supporting